The following is an entry in ClinVar:

NM_182961.4(SYNE1):c.1459G>A (p.Glu487Lys)

Gene: SYNE1 (spectrin repeat containing nuclear envelope protein 1; minus strand). Cytogenetic location: 6q25.2.
Variant type: single nucleotide variant.
Coding change: c.1459G>A on transcript NM_182961.4 (MANE Select); coding-DNA position 1459, G replaced by A.
Protein change: p.Glu487Lys; replaces glutamic acid 487 with lysine.
Molecular consequence: missense variant.
Genome position (GRCh38, 1-based): chr6:152,472,305, C>T on the plus strand (G>A on the coding strand, the complement: SYNE1 is on the minus strand). VCF-style: chr6-152472305-C-T. GRCh37 (hg19) VCF-style: chr6-152793440-C-T.
Other names: c.1480G>A, p.Glu494Lys (NM_033071.5); short protein forms E487K, E494K.
Identifiers: ClinVar variation 2141651 (VCV002141651.18), dbSNP rs771764001, ClinGen allele CA4059399.

ClinVar aggregate classification (germline): Uncertain significance. Review status: criteria provided, multiple submitters, no conflicts (2 of 4 stars). 3 submissions from 3 submitters: Uncertain significance (3). Last evaluated 2024-11-01.

Conditions:
Autosomal recessive ataxia, Beauce type. Also called: Spinocerebellar ataxia, autosomal recessive 8; SYNE1-Related Autosomal Recessive Cerebellar Ataxia; SYNE1 Deficiency; ATAXIA, RECESSIVE, OF BEAUCE. Identifiers: Orphanet 88644, MedGen C1853116, MONDO:0012549, OMIM 610743.
Emery-Dreifuss muscular dystrophy 4, autosomal dominant (EDMD4). Also called: EMERY-DREIFUSS MUSCULAR DYSTROPHY 4 WITH VARIABLE FEATURES. Identifiers: Orphanet 261, MedGen C2751807, MONDO:0013071, OMIM 612998.

Allele frequency attached by ClinVar (database versions not stated): gnomAD 0.00001; ExAC 0.00002; gnomAD exomes 0.00002; TOPMed 0.00002.
gnomAD v4.1: 28 of 1,611,974 alleles (0.0017%); highest among the groups gnomAD compares: Middle Eastern, 0.016%; no homozygotes.

Submissions (3):

CeGaT Center for Human Genetics Tuebingen
Classification: Uncertain significance. Last evaluated: 2024-11-01. Review status: criteria provided, single submitter. Criteria: CeGaT Center For Human Genetics Tuebingen Variant Classification Criteria Version 2. Collection method: clinical testing. Allele origin: germline. Affected: yes. Observed: 1 variant allele.
Comment: SYNE1: PS2:Moderate

GeneDx
Classification: Uncertain significance. Last evaluated: 2024-09-11. Review status: criteria provided, single submitter. Criteria: GeneDx Variant Classification Process June 2021. Collection method: clinical testing. Allele origin: germline. Affected: yes.
Comment: Not observed at significant frequency in large population cohorts (gnomAD); In silico analysis supports that this missense variant has a deleterious effect on protein structure/function; Has not been previously published as pathogenic or benign to our knowledge

Labcorp Genetics (formerly Invitae), Labcorp
Classification: Uncertain significance for Emery-Dreifuss muscular dystrophy 4, autosomal dominant; Autosomal recessive ataxia, Beauce type. Last evaluated: 2022-02-19. Review status: criteria provided, single submitter. Criteria: Invitae Variant Classification Sherloc (09022015). Collection method: clinical testing. Allele origin: germline.
Comment: In summary, the available evidence is currently insufficient to determine the role of this variant in disease. Therefore, it has been classified as a Variant of Uncertain Significance. Algorithms developed to predict the effect of missense changes on protein structure and function are either unavailable or do not agree on the potential impact of this missense change (SIFT: "Deleterious"; PolyPhen-2: "Probably Damaging"; Align-GVGD: "Class C0"). This variant has not been reported in the literature in individuals affected with SYNE1-related conditions. This variant is present in population databases (rs771764001, gnomAD 0.003%). This sequence change replaces glutamic acid, which is acidic and polar, with lysine, which is basic and polar, at codon 494 of the SYNE1 protein (p.Glu494Lys).